The following is an entry in ClinVar:

NM_022489.4(INF2):c.1878G>A (p.Glu626=)

Gene: INF2 (inverted formin 2; plus strand). Cytogenetic location: 14q32.33.
Variant type: single nucleotide variant.
Coding change: c.1878G>A on transcript NM_022489.4 (MANE Select); coding-DNA position 1878, G replaced by A.
Protein change: p.Glu626=; no amino-acid change (glutamic acid 626 retained).
Molecular consequence: synonymous variant.
Genome position (GRCh38, 1-based): chr14:104,708,578, G>A. VCF-style: chr14-104708578-G-A. GRCh37 (hg19) VCF-style: chr14-105174915-G-A.
Other names: c.1878G>A, p.Glu626= (NM_001031714.4); c.1878G>A (NM_022489.3).
Identifiers: ClinVar variation 1640591 (VCV001640591.9), dbSNP rs766224685, ClinGen allele CA7372697.

ClinVar aggregate classification (germline): Likely benign. Review status: criteria provided, multiple submitters, no conflicts (2 of 4 stars). 2 submissions from 2 submitters: Likely benign (2). Last evaluated 2026-08-07.

Conditions:
INF2-related disorder. Also called: INF2-related condition.
Focal segmental glomerulosclerosis 5 (FSGS5). Identifiers: Orphanet 656, MedGen C2750475, MONDO:0013191, OMIM 613237.
Charcot-Marie-Tooth disease dominant intermediate E. Also called: CHARCOT-MARIE-TOOTH NEUROPATHY WITH FOCAL SEGMENTAL GLOMERULONEPHRITIS. Identifiers: Orphanet 93114, MedGen C4302667, MONDO:0013758, OMIM 614455.

Allele frequency attached by ClinVar (database versions not stated): ExAC 0.00001; gnomAD 0.00001; gnomAD exomes 0.00001 and 0.00002; TOPMed 0.00002.

Submissions (2):

PreventionGenetics, part of Exact Sciences
Classification: Likely benign for INF2-related condition. Last evaluated: 2026-08-07. Review status: criteria provided, single submitter. Criteria: ACMG Guidelines, 2015. Collection method: clinical testing. Allele origin: germline.
Comment: This variant is classified as likely benign based on ACMG/AMP sequence variant interpretation guidelines (Richards et al. 2015 PMID: 25741868, with internal and published modifications).

Labcorp Genetics (formerly Invitae), Labcorp
Classification: Likely benign for Charcot-Marie-Tooth disease dominant intermediate E; Focal segmental glomerulosclerosis 5. Last evaluated: 2025-03-31. Review status: criteria provided, single submitter. Criteria: Invitae Variant Classification Sherloc (09022015). Collection method: clinical testing. Allele origin: germline.